The following is an entry in ClinVar:

NM_000492.4(CFTR):c.155A>T (p.Lys52Ile)

Gene: CFTR (CF transmembrane conductance regulator; plus strand). Cytogenetic location: 7q31.2.
Variant type: single nucleotide variant.
Coding change: c.155A>T on transcript NM_000492.4 (MANE Select); coding-DNA position 155, A replaced by T.
Protein change: p.Lys52Ile; replaces lysine 52 with isoleucine.
Molecular consequence: missense variant.
Genome position (GRCh38, 1-based): chr7:117,504,354, A>T. VCF-style: chr7-117504354-A-T. GRCh37 (hg19) VCF-style: chr7-117144408-A-T.
Other names: short protein forms K52I.
Identifiers: ClinVar variation 2447428 (VCV002447428.2), dbSNP rs1562882767, ClinGen allele CA368987504.

ClinVar aggregate classification (germline): Uncertain significance (1 of 4 stars; one submission).

Conditions:
Cystic fibrosis (CF). Also called: MUCOVISCIDOSIS. Identifiers: Orphanet 586, MedGen C0010674, MONDO:0009061, OMIM 219700. Disease mechanism: loss of function.

Allele frequency attached by ClinVar (database versions not stated): gnomAD exomes below 0.00001.
gnomAD v4.1: 2 of 1,550,748 alleles (0.00013%); highest among the groups gnomAD compares: Non-Finnish European, 0.00018%; no homozygotes.

Submission:

Ambry Genetics
Classification: Uncertain significance for Cystic fibrosis. Last evaluated: 2022-12-05. Review status: criteria provided, single submitter. Criteria: Ambry Variant Classification Scheme 2023. Collection method: clinical testing. Allele origin: germline.
Comment: The p.K52I variant (also known as c.155A>T), located in coding exon 2 of the CFTR gene, results from an A to T substitution at nucleotide position 155. The lysine at codon 52 is replaced by isoleucine, an amino acid with dissimilar properties. This amino acid position is not well conserved in available vertebrate species. In addition, the in silico prediction for this alteration is inconclusive. Since supporting evidence is limited at this time, the clinical significance of this alteration remains unclear.